The following is an entry in ClinVar:

ClinVar aggregate classification (germline): Uncertain significance (1 of 4 stars; one submission).

Conditions:
Progressive familial heart block type IB (PFHB1B). Identifiers: Orphanet 871, MedGen C1970298, MONDO:0011474, OMIM 604559.

Submissions (2):

Labcorp Genetics (formerly Invitae), Labcorp
Classification: Uncertain significance for Progressive familial heart block type IB. Last evaluated: 2024-02-19. Review status: criteria provided, single submitter. Criteria: Invitae Variant Classification Sherloc (09022015). Collection method: clinical testing. Allele origin: germline.
Comment: This sequence change falls in intron 24 of the TRPM4 gene. It does not directly change the encoded amino acid sequence of the TRPM4 protein. It affects a nucleotide within the consensus splice site. This variant is not present in population databases (gnomAD no frequency). This variant has not been reported in the literature in individuals affected with TRPM4-related conditions. Variants that disrupt the consensus splice site are a relatively common cause of aberrant splicing (PMID: 17576681, 9536098). Algorithms developed to predict the effect of sequence changes on RNA splicing suggest that this variant may disrupt the consensus splice site. In summary, the available evidence is currently insufficient to determine the role of this variant in disease. Therefore, it has been classified as a Variant of Uncertain Significance.

Dr. Peter K. Rogan Lab, Western University
No classification provided (evidence only). Condition: Ovarian serous cystadenocarcinoma. Review status: no classification provided. Collection method: in vitro. Allele origin: not applicable. Functional consequence: retained intron. Not counted in ClinVar's aggregate classification.

Literature cited by the submitters: PubMed 17576681 (cited by Labcorp Genetics (formerly Invitae), Labcorp); PubMed 9536098 (cited by Labcorp Genetics (formerly Invitae), Labcorp).

NM_017636.4(TRPM4):c.3641-2A>G

Gene: TRPM4 (transient receptor potential cation channel subfamily M member 4; plus strand). Cytogenetic location: 19q13.33.
Variant type: single nucleotide variant.
Coding change: c.3641-2A>G on transcript NM_017636.4 (MANE Select); the canonical splice acceptor site of the intron before coding-DNA position 3641, A replaced by G.
Molecular consequence: splice acceptor variant.
Genome position (GRCh38, 1-based): chr19:49,211,492, A>G. VCF-style: chr19-49211492-A-G. GRCh37 (hg19) VCF-style: chr19-49714749-A-G.
Other names: c.3206-2A>G (NM_001195227.2); c.2033-2A>G (NM_001321282.2); c.3296-2A>G (NM_001321281.2); c.3119-2A>G (NM_001321283.2); c.2579-2A>G (NM_001321285.2).
Identifiers: ClinVar variation 3012751 (VCV003012751.4), dbSNP rs201121122, ClinGen allele CA406774009.